The following is an entry in ClinVar:

NM_199242.3(UNC13D):c.1131C>G (p.Ser377Arg)

Gene: UNC13D (unc-13 homolog D; minus strand). Cytogenetic location: 17q25.1.
Variant type: single nucleotide variant.
Coding change: c.1131C>G on transcript NM_199242.3 (MANE Select); coding-DNA position 1131, C replaced by G.
Protein change: p.Ser377Arg; replaces serine 377 with arginine.
Molecular consequence: missense variant.
Genome position (GRCh38, 1-based): chr17:75,836,843, G>C on the plus strand (C>G on the coding strand, the complement: UNC13D is on the minus strand). VCF-style: chr17-75836843-G-C. GRCh37 (hg19) VCF-style: chr17-73832924-G-C.
Other names: short protein forms S377R.
Identifiers: ClinVar variation 759815 (VCV000759815.52), dbSNP rs142335129, ClinGen allele CA8773118.
Genomic context (GRCh38, chr17:75,836,843, plus strand): 5'-TTGCCACTGCATGCCTACCTGTTCTGCCTTGAGCCGACCCTGGATCCACTGGTACTCGAT[G>C]CTGGTGATGGGGTGCAGGAGGCAGCTGCTGGGGAACTCCAGGCTCTGGTAGAGGCGGCTG-3'
Protein context (NP_954712.1, residues 367-387): PSSCLLHPIT[Ser377Arg]IEYQWIQGRL

ClinVar aggregate classification (germline): Conflicting classifications of pathogenicity. Review status: criteria provided, conflicting classifications (1 of 4 stars). 3 submissions from 3 submitters: Uncertain significance (1); Likely benign (1). 1 of the submissions does not count toward it. Last evaluated 2026-01-06.

Conditions:
UNC13D-related disorder. Also called: UNC13D-related condition.
Familial hemophagocytic lymphohistiocytosis 3 (FHL3). Also called: UNC13D-Related Familial Hemophagocytic Lymphohistiocytosis (UNC13D-fHLH). Identifiers: Orphanet 540, MedGen C1837174, MONDO:0012146, OMIM 608898.

Allele frequency attached by ClinVar (database versions not stated): TOPMed 0.00013; ESP Exome Variant Server 0.00015; gnomAD exomes 0.00015 and 0.00028; gnomAD 0.00016 and 0.00018; ExAC 0.00026.
gnomAD v4.1: 259 of 1,613,928 alleles (0.016%); highest among the groups gnomAD compares: Non-Finnish European, 0.004%; no homozygotes.

Submissions (3):

Labcorp Genetics (formerly Invitae), Labcorp
Classification: Likely benign for Familial hemophagocytic lymphohistiocytosis 3. Last evaluated: 2026-01-06. Review status: criteria provided, single submitter. Criteria: Invitae Variant Classification Sherloc (09022015). Collection method: clinical testing. Allele origin: germline.

CeGaT Center for Human Genetics Tuebingen
Classification: Uncertain significance. Last evaluated: 2018-11-01. Review status: criteria provided, single submitter. Criteria: CeGaT Center For Human Genetics Tuebingen Variant Classification Criteria Version 2. Collection method: clinical testing. Allele origin: germline. Affected: yes. Observed: 1 variant allele.

PreventionGenetics, part of Exact Sciences
Classification: Likely benign for UNC13D-related condition. Last evaluated: 2022-03-22. Review status: no assertion criteria provided. Collection method: clinical testing. Allele origin: germline. Not counted in ClinVar's aggregate classification.
Comment: This variant is classified as likely benign based on ACMG/AMP sequence variant interpretation guidelines (Richards et al. 2015 PMID: 25741868, with internal and published modifications).